The following is an entry in ClinVar:

ClinVar aggregate classification (germline): Uncertain significance. Review status: criteria provided, multiple submitters, no conflicts (2 of 4 stars). 2 submissions from 2 submitters: Uncertain significance (2). Last evaluated 2025-09-27.

Conditions:
Inborn genetic diseases. Identifiers: MedGen C0950123, MeSH D030342.

Allele frequency attached by ClinVar (database versions not stated): gnomAD 0.00001; gnomAD exomes 0.00001; TOPMed 0.00003.
gnomAD v4.1: 20 of 1,610,036 alleles (0.0012%); highest among the groups gnomAD compares: Admixed American, 0.0017%; no homozygotes.

Submissions (2):

Ambry Genetics
Classification: Uncertain significance for Inborn genetic diseases. Last evaluated: 2025-09-27. Review status: criteria provided, single submitter. Criteria: Ambry Variant Classification Scheme 2023. Collection method: clinical testing. Allele origin: germline.

Labcorp Genetics (formerly Invitae), Labcorp
Classification: Uncertain significance. Last evaluated: 2024-10-29. Review status: criteria provided, single submitter. Criteria: Invitae Variant Classification Sherloc (09022015). Collection method: clinical testing. Allele origin: germline.
Comment: This sequence change replaces arginine, which is basic and polar, with histidine, which is basic and polar, at codon 1851 of the C2CD3 protein (p.Arg1851His). This variant is present in population databases (no rsID available, gnomAD 0.003%). This variant has not been reported in the literature in individuals affected with C2CD3-related conditions. ClinVar contains an entry for this variant (Variation ID: 1503351). Invitae Evidence Modeling of protein sequence and biophysical properties (such as structural, functional, and spatial information, amino acid conservation, physicochemical variation, residue mobility, and thermodynamic stability) indicates that this missense variant is expected to disrupt C2CD3 protein function with a positive predictive value of 80%. In summary, the available evidence is currently insufficient to determine the role of this variant in disease. Therefore, it has been classified as a Variant of Uncertain Significance.

NM_001286577.2(C2CD3):c.5552G>A (p.Arg1851His)

Gene: C2CD3 (C2 domain containing 3 centriole elongation regulator; minus strand). Cytogenetic location: 11q13.4.
Variant type: single nucleotide variant.
Coding change: c.5552G>A on transcript NM_001286577.2 (MANE Select); coding-DNA position 5552, G replaced by A.
Protein change: p.Arg1851His; replaces arginine 1851 with histidine.
Molecular consequence: missense variant.
Genome position (GRCh38, 1-based): chr11:74,042,162, C>T on the plus strand (G>A on the coding strand, the complement: C2CD3 is on the minus strand). VCF-style: chr11-74042162-C-T. GRCh37 (hg19) VCF-style: chr11-73753207-C-T.
Other names: c.5552G>A, p.Arg1851His (NM_015531.6); c.5552G>A (NM_015531.4); short protein forms R1851H.
Identifiers: ClinVar variation 1503351 (VCV001503351.7), dbSNP rs1347542964, ClinGen allele CA381824999.
Genomic context (GRCh38, chr11:74,042,162, plus strand): 5'-AGTTTGTCATCACATGGCAAGGGTGCCTCTCCCTGAAGATGCAGGGATTCATGAAACCGG[C>T]GAATGTTCTGCACATGCTCTTCATGGCGTGATGCTTGGCTTCTTGTGGTATCACTTCTGT-3'
Protein context (NP_001273506.1, residues 1841-1861): SRHEEHVQNI[Arg1851His]RFHESLHLQG